The following is an entry in ClinVar:

NM_203447.4(DOCK8):c.4159G>C (p.Asp1387His)

Gene: DOCK8 (dedicator of cytokinesis 8; plus strand). Cytogenetic location: 9p24.3.
Variant type: single nucleotide variant.
Coding change: c.4159G>C on transcript NM_203447.4 (MANE Select); coding-DNA position 4159, G replaced by C.
Protein change: p.Asp1387His; replaces aspartic acid 1387 with histidine.
Molecular consequence: missense variant.
Genome position (GRCh38, 1-based): chr9:422,053, G>C. VCF-style: chr9-422053-G-C. GRCh37 (hg19) VCF-style: chr9-422053-G-C.
Other names: c.3859G>C, p.Asp1287His (NM_001190458.2); c.3955G>C, p.Asp1319His (NM_001193536.2); short protein forms D1287H, D1319H, D1387H.
Identifiers: ClinVar variation 2053817 (VCV002053817.5), dbSNP rs182516558, ClinGen allele CA187792259.

ClinVar aggregate classification (germline): Uncertain significance. Review status: criteria provided, multiple submitters, no conflicts (2 of 4 stars). 2 submissions from 2 submitters: Uncertain significance (2). Last evaluated 2025-04-02.

Conditions:
Inborn genetic diseases. Identifiers: MedGen C0950123, MeSH D030342.
Combined immunodeficiency due to DOCK8 deficiency (HIES2). Also called: HIES autosomal recessive; HYPER-IgE SYNDROME 2, AUTOSOMAL RECESSIVE, WITH RECURRENT INFECTIONS; Hyper-IgE recurrent infection syndrome, autosomal recessive; DOCK8 Deficiency; HYPER-IgE RECURRENT INFECTION SYNDROME 2, AUTOSOMAL RECESSIVE. Identifiers: Orphanet 217390, MedGen C4722305, MONDO:0009478, OMIM 243700.

Allele frequency attached by ClinVar (database versions not stated): 1000 Genomes Project 30x 0.00016; 1000 Genomes Project 0.00020.
gnomAD v4.1: 18 of 1,613,834 alleles (0.0011%); highest among the groups gnomAD compares: Non-Finnish European, 0.0014%; no homozygotes.

Submissions (2):

Ambry Genetics
Classification: Uncertain significance for Inborn genetic diseases. Last evaluated: 2025-04-02. Review status: criteria provided, single submitter. Criteria: Ambry Variant Classification Scheme 2023. Collection method: clinical testing. Allele origin: germline.

Labcorp Genetics (formerly Invitae), Labcorp
Classification: Uncertain significance for Combined immunodeficiency due to DOCK8 deficiency. Last evaluated: 2025-01-06. Review status: criteria provided, single submitter. Criteria: Invitae Variant Classification Sherloc (09022015). Collection method: clinical testing. Allele origin: germline.
Comment: This sequence change replaces aspartic acid, which is acidic and polar, with histidine, which is basic and polar, at codon 1387 of the DOCK8 protein (p.Asp1387His). This variant is present in population databases (rs182516558, gnomAD 0.007%). This variant has not been reported in the literature in individuals affected with DOCK8-related conditions. ClinVar contains an entry for this variant (Variation ID: 2053817). Invitae Evidence Modeling of protein sequence and biophysical properties (such as structural, functional, and spatial information, amino acid conservation, physicochemical variation, residue mobility, and thermodynamic stability) indicates that this missense variant is not expected to disrupt DOCK8 protein function with a negative predictive value of 80%. In summary, the available evidence is currently insufficient to determine the role of this variant in disease. Therefore, it has been classified as a Variant of Uncertain Significance.